The following is an entry in ClinVar:

ClinVar aggregate classification (germline): Uncertain significance (1 of 4 stars; one submission).

Conditions:
Muscular dystrophy-dystroglycanopathy (congenital with brain and eye anomalies), type A9. Also called: WALKER-WARBURG SYNDROME OR MUSCLE-EYE BRAIN DISEASE, DAG1-RELATED; Muscular dystrophy-dystroglycanopathy (congenital with brain and eye anomalies), type a, 9. Identifiers: Orphanet 370997, Orphanet 899, MedGen C4225291, MONDO:0014683, OMIM 616538.
Autosomal recessive limb-girdle muscular dystrophy type 2P. Also called: Limb-Girdle Muscular Dystrophy Type 9C; MUSCULAR DYSTROPHY, LIMB-GIRDLE, TYPE 2P; MUSCULAR DYSTROPHY-DYSTROGLYCANOPATHY, LIMB-GIRDLE, DAG1-RELATED. Identifiers: Orphanet 280333, MedGen C4511963, MONDO:0013440, OMIM 613818.

Allele frequency attached by ClinVar (database versions not stated): gnomAD exomes below 0.00001.
gnomAD v4.1: 8 of 1,614,204 alleles (0.0005%); highest among the groups gnomAD compares: Non-Finnish European, 0.00059%; no homozygotes.

Submission:

Labcorp Genetics (formerly Invitae), Labcorp
Classification: Uncertain significance for Autosomal recessive limb-girdle muscular dystrophy type 2P; Muscular dystrophy-dystroglycanopathy (congenital with brain and eye anomalies), type A9. Last evaluated: 2022-04-07. Review status: criteria provided, single submitter. Criteria: Invitae Variant Classification Sherloc (09022015). Collection method: clinical testing. Allele origin: germline.
Comment: This variant is not present in population databases (gnomAD no frequency). This sequence change replaces asparagine, which is neutral and polar, with aspartic acid, which is acidic and polar, at codon 661 of the DAG1 protein (p.Asn661Asp). This variant has not been reported in the literature in individuals affected with DAG1-related conditions. In summary, the available evidence is currently insufficient to determine the role of this variant in disease. Therefore, it has been classified as a Variant of Uncertain Significance. Algorithms developed to predict the effect of missense changes on protein structure and function are either unavailable or do not agree on the potential impact of this missense change (SIFT: "Deleterious"; PolyPhen-2: "Probably Damaging"; Align-GVGD: "Class C0").

NM_004393.6(DAG1):c.1981A>G (p.Asn661Asp)

Gene: DAG1 (dystroglycan 1; plus strand). Cytogenetic location: 3p21.31.
Variant type: single nucleotide variant.
Coding change: c.1981A>G on transcript NM_004393.6 (MANE Select); coding-DNA position 1981, A replaced by G.
Protein change: p.Asn661Asp; replaces asparagine 661 with aspartic acid.
Molecular consequence: missense variant.
Genome position (GRCh38, 1-based): chr3:49,532,492, A>G. VCF-style: chr3-49532492-A-G. GRCh37 (hg19) VCF-style: chr3-49569925-A-G.
Other names: c.1981A>G, p.Asn661Asp (NM_001165928.4, NM_001177634.3, NM_001177635.3 and 9 more transcripts); short protein forms N661D.
Identifiers: ClinVar variation 2088465 (VCV002088465.4), dbSNP rs765933260, ClinGen allele CA74522493.